The following is an entry in ClinVar:

ClinVar aggregate classification (germline): Uncertain significance. Review status: criteria provided, multiple submitters, no conflicts (2 of 4 stars). 2 submissions from 2 submitters: Uncertain significance (2). Last evaluated 2023-10-18.

Submissions (2):

GeneDx
Classification: Uncertain significance. Last evaluated: 2023-10-18. Review status: criteria provided, single submitter. Criteria: GeneDx Variant Classification Process June 2021. Collection method: clinical testing. Allele origin: germline. Affected: yes.
Comment: Not observed at significant frequency in large population cohorts (gnomAD); In silico analysis supports that this missense variant does not alter protein structure/function; Has not been previously published as pathogenic or benign to our knowledge

Ambry Genetics
Classification: Uncertain significance. Last evaluated: 2021-09-01. Review status: criteria provided, single submitter. Criteria: Ambry Variant Classification Scheme 2023. Collection method: clinical testing. Allele origin: germline.

NM_001001331.4(ATP2B2):c.1285C>G (p.Leu429Val)

Gene: ATP2B2 (ATPase plasma membrane Ca2+ transporting 2; minus strand). Cytogenetic location: 3p25.3.
Variant type: single nucleotide variant.
Coding change: c.1285C>G on transcript NM_001001331.4 (MANE Select); coding-DNA position 1285, C replaced by G.
Protein change: p.Leu429Val; replaces leucine 429 with valine.
Molecular consequence: missense variant.
Genome position (GRCh38, 1-based): chr3:10,375,561, G>C on the plus strand (C>G on the coding strand, the complement: ATP2B2 is on the minus strand). VCF-style: chr3-10375561-G-C. GRCh37 (hg19) VCF-style: chr3-10417245-G-C.
Other names: c.1150C>G, p.Leu384Val (NM_001330611.3, NM_001353564.1, NM_001363862.1 and 1 more transcripts); short protein forms L384V, L429V.
Identifiers: ClinVar variation 2248563 (VCV002248563.3), dbSNP rs2470420430, ClinGen allele CA351784510.
Genomic context (GRCh38, chr3:10,375,561, plus strand): 5'-TCACGCCAATGATGAAGAACTTGACAAAGTACTGCACGTAGACGGGCGTGCACTCAGGCA[G>C]CCACGGCTTCTTGTTGACCACGAAGGTGTCCACAGTGAAGTAGAGCACCAGGATGATCAC-3'
Protein context (NP_001001331.1, residues 419-439): DTFVVNKKPW[Leu429Val]PECTPVYVQY